The following is an entry in ClinVar:

NM_000350.3(ABCA4):c.5213G>A (p.Ser1738Asn)

Gene: ABCA4 (ATP binding cassette subfamily A member 4; minus strand). Cytogenetic location: 1p22.1.
Variant type: single nucleotide variant.
Coding change: c.5213G>A on transcript NM_000350.3 (MANE Select); coding-DNA position 5213, G replaced by A.
Protein change: p.Ser1738Asn; replaces serine 1738 with asparagine.
Molecular consequence: missense variant.
Genome position (GRCh38, 1-based): chr1:94,015,838, C>T on the plus strand (G>A on the coding strand, the complement: ABCA4 is on the minus strand). VCF-style: chr1-94015838-C-T. GRCh37 (hg19) VCF-style: chr1-94481394-C-T.
Other names: c.4991G>A, p.Ser1664Asn (NM_001425324.1); short protein forms S1738N, S1664N.
Identifiers: ClinVar variation 1502559 (VCV001502559.8), dbSNP rs2101015576, ClinGen allele CA341281747.

ClinVar aggregate classification (germline): Uncertain significance (1 of 4 stars; one submission).

Allele frequency attached by ClinVar (database versions not stated): gnomAD exomes below 0.00001.
gnomAD v4.1: 1 of 1,613,742 alleles (0.000062%); highest among the groups gnomAD compares: Non-Finnish European, 0.000085%; no homozygotes.

Submission:

Labcorp Genetics (formerly Invitae), Labcorp
Classification: Uncertain significance. Last evaluated: 2021-05-31. Review status: criteria provided, single submitter. Criteria: Invitae Variant Classification Sherloc (09022015). Collection method: clinical testing. Allele origin: germline.
Comment: In summary, the available evidence is currently insufficient to determine the role of this variant in disease. Therefore, it has been classified as a Variant of Uncertain Significance. Algorithms developed to predict the effect of missense changes on protein structure and function (SIFT, PolyPhen-2, Align-GVGD) all suggest that this variant is likely to be disruptive, but these predictions have not been confirmed by published functional studies and their clinical significance is uncertain. This variant has not been reported in the literature in individuals with ABCA4-related conditions. This variant is not present in population databases (ExAC no frequency). This sequence change replaces serine with asparagine at codon 1738 of the ABCA4 protein (p.Ser1738Asn). The serine residue is highly conserved and there is a small physicochemical difference between serine and asparagine.